The following is an entry in ClinVar:

ClinVar aggregate classification (germline): Uncertain significance. Review status: criteria provided, multiple submitters, no conflicts (2 of 4 stars). 3 submissions from 3 submitters: Uncertain significance (3). Last evaluated 2019-04-22.

Conditions:
Cardiovascular phenotype. Identifiers: MedGen CN230736.

Allele frequency attached by ClinVar (database versions not stated): gnomAD exomes below 0.00001; gnomAD 0.00001; TOPMed 0.00002.
gnomAD v4.1: 4 of 1,613,540 alleles (0.00025%); highest among the groups gnomAD compares: African/African-American, 0.0053%; no homozygotes.

Submissions (3):

Revvity Omics, Revvity
Classification: Uncertain significance. Last evaluated: 2019-04-22. Review status: criteria provided, single submitter. Criteria: ACMG Guidelines, 2015. Collection method: clinical testing. Allele origin: germline.

Ambry Genetics
Classification: Uncertain significance for Cardiovascular phenotype. Last evaluated: 2018-02-13. Review status: criteria provided, single submitter. Criteria: Ambry Variant Classification Scheme 2023. Collection method: clinical testing. Allele origin: germline.
Comment: The p.S20926F variant (also known as c.62777C>T), located in coding exon 162 of the TTN gene, results from a C to T substitution at nucleotide position 62777. The serine at codon 20926 is replaced by phenylalanine, an amino acid with highly dissimilar properties. This amino acid position is not well conserved in available vertebrate species. In addition, this alteration is predicted to be tolerated by in silico analysis. Since supporting evidence is limited at this time, the clinical significance of this alteration remains unclear.

Eurofins Ntd Llc (ga)
Classification: Uncertain significance. Last evaluated: 2017-05-04. Review status: criteria provided, single submitter. Criteria: EGL Classification Definitions 2015. Collection method: clinical testing. Allele origin: germline. Observed: 1 variant allele, 1 heterozygote.

NM_001267550.2(TTN):c.89972C>T (p.Ser29991Phe)

Genes: TTN (titin; minus strand), TTN-AS1 (TTN antisense RNA 1; plus strand). Cytogenetic location: 2q31.2.
Variant type: single nucleotide variant.
Coding change: c.89972C>T on transcript NM_001267550.2 (MANE Select); coding-DNA position 89972, C replaced by T.
Protein change: p.Ser29991Phe; replaces serine 29991 with phenylalanine.
Molecular consequence: missense variant.
Genome position (GRCh38, 1-based): chr2:178,552,928, G>A on the plus strand (C>T on the coding strand, the complement: TTN is on the minus strand). VCF-style: chr2-178552928-G-A. GRCh37 (hg19) VCF-style: chr2-179417655-G-A.
Other names: c.85049C>T, p.Ser28350Phe (NM_001256850.1); c.62777C>T, p.Ser20926Phe (NM_003319.4); c.82268C>T, p.Ser27423Phe (NM_133378.4); c.63152C>T, p.Ser21051Phe (NM_133432.3); c.63353C>T, p.Ser21118Phe (NM_133437.4); short protein forms S27423F, S29991F, S20926F, S28350F, S21051F, S21118F.
Identifiers: ClinVar variation 501813 (VCV000501813.10), dbSNP rs879239139, ClinGen allele CA60978038.